The following is an entry in ClinVar:

ClinVar aggregate classification (germline): Pathogenic (1 of 4 stars; one submission).

Conditions:
Tuberous sclerosis 1 (TSC1). Identifiers: Orphanet 805, MedGen C1854465, MONDO:0008612, OMIM 191100.

Submission:

Labcorp Genetics (formerly Invitae), Labcorp
Classification: Pathogenic for Tuberous sclerosis 1. Last evaluated: 2016-12-12. Review status: criteria provided, single submitter. Criteria: Invitae Variant Classification Sherloc (09022015). Collection method: clinical testing. Allele origin: germline.
Comment: While this particular variant has not been reported in the literature, loss-of-function variants in TSC1 are known to be pathogenic (PMID: 10227394, 17304050). This sequence change deletes 1 nucleotide from exon 17 of the TSC1 mRNA (c.2165delA), causing a frameshift at codon 722. This creates a premature translational stop signal (p.Lys722Argfs*2) and is expected to result in an absent or disrupted protein product. For these reasons, this variant has been classified as Pathogenic.

Literature cited by the submitters: PubMed 10227394; PubMed 17304050.

NM_000368.5(TSC1):c.2165del (p.Lys722fs)

Gene: TSC1 (TSC complex subunit 1; minus strand). Cytogenetic location: 9q34.13.
Variant type: Deletion.
Coding change: c.2165del on transcript NM_000368.5 (MANE Select); coding-DNA position 2165, one base deleted (A; older notation c.2165delA).
Protein change: p.Lys722fs; shifts the reading frame from lysine 722.
Molecular consequence: frameshift variant.
Genome position (GRCh38, 1-based): chr9:132,903,694, T deleted on the plus strand (A on the coding strand, the reverse complement: TSC1 is on the minus strand); the first of 2 consecutive T bases (chr9:132,903,694-132,903,695); deleting either gives the same sequence. VCF-style (leftmost placement, unchanged base first): chr9-132903693-CT-C. GRCh37 (hg19) VCF-style: chr9-135779080-CT-C.
Other names: c.2165delA (NM_000368.4); c.2162del, p.Lys721fs (NM_001162426.2); c.2012del, p.Lys671fs (NM_001162427.2); c.1802del, p.Lys601fs (NM_001362177.2); short protein forms K721fs, K671fs, K601fs, K722fs.
Identifiers: ClinVar variation 411255 (VCV000411255.8), dbSNP rs1060503213, ClinGen allele CA16612574.